The following is an entry in ClinVar:

ClinVar aggregate classification (germline): Benign. Review status: criteria provided, multiple submitters, no conflicts (2 of 4 stars). 12 submissions from 11 submitters: Benign (10). 2 of the submissions do not count toward it. Last evaluated 2026-02-04.

Conditions:
Nail-patella-like renal disease. Also called: GLOMERULAR BASEMENT MEMBRANE DISEASE, NAIL-PATELLA SYNDROME TYPE; Focal Segmental Glomerulosclerosis 10. Identifiers: Orphanet 2613, MedGen C0403548, MONDO:0009724, OMIM 256020.
Nail-patella syndrome (NPS). Also called: FONG DISEASE; ONYCHOOSTEODYSPLASIA; TURNER-KIESER SYNDROME. Identifiers: Orphanet 2614, MedGen C0027341, MONDO:0008061, OMIM 161200.

Allele frequency attached by ClinVar (database versions not stated): 1000 Genomes Project 30x 0.22423; 1000 Genomes Project 0.22764; TOPMed 0.26317; gnomAD 0.28269; ESP Exome Variant Server 0.29502; gnomAD exomes 0.30067; ExAC 0.34027.
gnomAD v4.1: 548,680 of 1,601,354 alleles (34%); highest among the groups gnomAD compares: Middle Eastern, 41%; 98,592 homozygotes.

Submissions (12):

Labcorp Genetics (formerly Invitae), Labcorp
Classification: Benign. Last evaluated: 2026-02-04. Review status: criteria provided, single submitter. Criteria: Invitae Variant Classification Sherloc (09022015). Collection method: clinical testing. Allele origin: germline.

Blueprint Genetics
Classification: Benign. Last evaluated: 2024-11-27. Review status: criteria provided, single submitter. Criteria: ACMG Guidelines, 2015. Collection method: clinical testing. Allele origin: germline.

Unidad de Genómica Garrahan, Hospital de Pediatría Garrahan
Classification: Benign. Last evaluated: 2024-07-15. Review status: criteria provided, single submitter. Criteria: ACMG Guidelines, 2015. Collection method: clinical testing. Allele origin: germline. Affected: no. Observed: 32 variant alleles.
Comment: This variant is classified as Benign based on local population frequency. This variant was detected in 34% of patients studied in a panel designed for Epileptic and Developmental Encephalopathy and Progressive Myoclonus Epilepsy. Number of patients: 32. Only high quality variants are reported.

Mayo Clinic Laboratories, Mayo Clinic
Classification: Benign. Last evaluated: 2022-03-09. Review status: criteria provided, single submitter. Criteria: ACMG Guidelines, 2015. Collection method: clinical testing. Allele origin: germline. Observed: 74 variant alleles.

Genome-Nilou Lab
Classification: Benign for Nail-patella-like renal disease. Last evaluated: 2021-08-19. Review status: criteria provided, single submitter. Criteria: ACMG Guidelines, 2015. Collection method: clinical testing. Allele origin: germline. Affected: no.

Genome-Nilou Lab
Classification: Benign for Nail-patella syndrome. Last evaluated: 2021-08-19. Review status: criteria provided, single submitter. Criteria: ACMG Guidelines, 2015. Collection method: clinical testing. Allele origin: germline. Affected: no.

Mendelics
Classification: Benign for Nail-patella syndrome. Last evaluated: 2019-05-28. Review status: criteria provided, single submitter. Criteria: Mendelics Assertion Criteria 2017. Collection method: clinical testing. Allele origin: unknown.

Illumina Laboratory Services, Illumina
Classification: Benign for Nail-patella syndrome. Last evaluated: 2018-01-12. Review status: criteria provided, single submitter. Criteria: ICSL Variant Classification Criteria 13 December 2019. Collection method: clinical testing. Allele origin: germline.
Comment: This variant was observed in the ICSL laboratory as part of a predisposition screen in an ostensibly healthy population. It had not been previously curated by ICSL or reported in the Human Gene Mutation Database (HGMD: prior to June 1st, 2018), and was therefore a candidate for classification through an automated scoring system. Utilizing variant allele frequency, disease prevalence and penetrance estimates, and inheritance mode, an automated score was calculated to assess if this variant is too frequent to cause the disease. Based on the score and internal cut-off values, a variant classified as benign is not then subjected to further curation. The score for this variant resulted in a classification of benign for this disease.

Breakthrough Genomics
Classification: Benign. Review status: criteria provided, single submitter. Criteria: ACMG Guidelines, 2015. Collection method: not provided. Allele origin: germline. Inheritance: Autosomal dominant inheritance. Affected: yes.

PreventionGenetics, part of Exact Sciences
Classification: Benign. Review status: criteria provided, single submitter. Criteria: ACMG Guidelines, 2015. Collection method: clinical testing. Allele origin: germline.

Diagnostic Laboratory, Department of Genetics, University Medical Center Groningen
Classification: Benign. Review status: no assertion criteria provided. Collection method: clinical testing. Allele origin: germline. Affected: yes. Study: VKGL Data-share Consensus. Not counted in ClinVar's aggregate classification.

Joint Genome Diagnostic Labs from Nijmegen and Maastricht, Radboudumc and MUMC+
Classification: Benign. Review status: no assertion criteria provided. Collection method: clinical testing. Allele origin: germline. Affected: yes. Study: VKGL Data-share Consensus. Not counted in ClinVar's aggregate classification.

NM_001174147.2(LMX1B):c.326+7G>C

Gene: LMX1B (LIM homeobox transcription factor 1 beta; plus strand). Cytogenetic location: 9q33.3.
Variant type: single nucleotide variant.
Coding change: c.326+7G>C on transcript NM_001174147.2 (MANE Select); 7 bases into the intron after coding-DNA position 326, G replaced by C.
Molecular consequence: intron variant.
Genome position (GRCh38, 1-based): chr9:126,615,576, G>C. VCF-style: chr9-126615576-G-C. GRCh37 (hg19) VCF-style: chr9-129377855-G-C.
Other names: p.?; c.326+7G>C (NM_001174146.2, NM_002316.4).
Identifiers: ClinVar variation 258622 (VCV000258622.27), dbSNP rs1336980, ClinGen allele CA5242260.